The following is an entry in ClinVar:

ClinVar aggregate classification (germline): Pathogenic/Likely pathogenic. Review status: criteria provided, multiple submitters, no conflicts (2 of 4 stars). 5 submissions from 5 submitters: Pathogenic (3); Likely pathogenic (2). Last evaluated 2025-10-25.

Conditions:
Familial adenomatous polyposis 3. Also called: NTHL1-Related Adenomatous Polyposis and Colorectal Cancer; NTHL1-associated polyposis; NTHL1-related attenuated familial adenomatous polyposis; NTHL1 Tumor Syndrome. Identifiers: Orphanet 220460, Orphanet 454840, MedGen C4225157, MONDO:0014630, OMIM 616415.
Hereditary cancer-predisposing syndrome. Also called: Tumor predisposition; Neoplastic Syndromes, Hereditary; Hereditary Cancer Syndrome; Hereditary neoplastic syndrome. Identifiers: Orphanet 140162, MedGen C0027672, MeSH D009386, MONDO:0015356.

Allele frequency attached by ClinVar (database versions not stated): gnomAD exomes below 0.00001 and 0.00003; TOPMed below 0.00001.
gnomAD v4.1: 36 of 1,612,324 alleles (0.0022%); highest among the groups gnomAD compares: Non-Finnish European, 0.0031%; no homozygotes.

Submissions (5):

Labcorp Genetics (formerly Invitae), Labcorp
Classification: Pathogenic. Last evaluated: 2025-10-25. Review status: criteria provided, single submitter. Criteria: Invitae Variant Classification Sherloc (09022015). Collection method: clinical testing. Allele origin: germline.
Comment: This sequence change creates a premature translational stop signal (p.Gln145*) in the NTHL1 gene. It is expected to result in an absent or disrupted protein product. Loss-of-function variants in NTHL1 are known to be pathogenic (PMID: 25938944, 26559593). This variant is present in population databases (rs758667255, gnomAD 0.0009%). This variant has not been reported in the literature in individuals affected with NTHL1-related conditions. ClinVar contains an entry for this variant (Variation ID: 652003). For these reasons, this variant has been classified as Pathogenic.

Quest Diagnostics Nichols Institute San Juan Capistrano
Classification: Likely pathogenic. Last evaluated: 2024-07-17. Review status: criteria provided, single submitter. Criteria: Quest Diagnostics criteria. Collection method: clinical testing. Allele origin: unknown.
Comment: The NTHL1 c.433C>T (p.Gln145*) variant is predicted to cause the premature termination of NTHL1 protein synthesis. This variant has not been reported in individuals with NTHL1-related conditions in the published literature. The frequency of this variant in the general population, 0.000004 (1/248158 chromosomes (Genome Aggregation Database)), is consistent with pathogenicity. Based on the available information, this variant is classified as likely pathogenic.

Fulgent Genetics
Classification: Likely pathogenic for Familial adenomatous polyposis 3. Last evaluated: 2024-03-28. Review status: criteria provided, single submitter. Criteria: ACMG Guidelines, 2015. Collection method: clinical testing. Allele origin: germline.

Myriad Genetics, Inc.
Classification: Pathogenic for Familial adenomatous polyposis 3. Last evaluated: 2023-09-05. Review status: criteria provided, single submitter. Criteria: Myriad Autosomal Dominant, Autosomal Recessive and X-Linked Classification Criteria (2023). Collection method: clinical testing. Allele origin: unknown.
Comment: This variant is considered pathogenic. This variant creates a termination codon and is predicted to result in premature protein truncation.

Ambry Genetics
Classification: Pathogenic for Hereditary cancer-predisposing syndrome. Last evaluated: 2023-01-31. Review status: criteria provided, single submitter. Criteria: Ambry Variant Classification Scheme 2023. Collection method: clinical testing. Allele origin: germline.
Comment: The p.Q145* pathogenic mutation (also known as c.433C>T), located in coding exon 3 of the NTHL1 gene, results from a C to T substitution at nucleotide position 433. This changes the amino acid from a glutamine to a stop codon within coding exon 3. This alteration is expected to result in loss of function by premature protein truncation or nonsense-mediated mRNA decay. As such, this alteration is interpreted as a disease-causing mutation.

Literature cited by the submitters: PubMed 25938944 (cited by Labcorp Genetics (formerly Invitae), Labcorp); PubMed 26559593 (cited by Labcorp Genetics (formerly Invitae), Labcorp).

NM_002528.7(NTHL1):c.409C>T (p.Gln137Ter)

Gene: NTHL1 (nth like DNA glycosylase 1; minus strand). Cytogenetic location: 16p13.3.
Variant type: single nucleotide variant.
Coding change: c.409C>T on transcript NM_002528.7 (MANE Select); coding-DNA position 409, C replaced by T.
Protein change: p.Gln137Ter; replaces glutamine 137 with a stop codon.
Molecular consequence: nonsense. On other transcripts: intron variant (1).
Genome position (GRCh38, 1-based): chr16:2,044,746, G>A on the plus strand (C>T on the coding strand, the complement: NTHL1 is on the minus strand). VCF-style: chr16-2044746-G-A. GRCh37 (hg19) VCF-style: chr16-2094747-G-A.
Other names: c.409C>T, p.Gln137Ter (LRG_1366t1); c.79C>T, p.Gln27Ter (NM_001318194.2); c.355-1020C>T (NM_001318193.2); short protein forms Q27*, Q137*.
Identifiers: ClinVar variation 652003 (VCV000652003.14), dbSNP rs758667255, ClinGen allele CA276764627.
Genomic context (GRCh38, chr16:2,044,746, plus strand): 5'-GGATGCTGTCCACCGTCAGGCCCCGCGCCCGCAGTCGCTGCATGGCGCCCGCCGTCACCT[G>A]GTCTTTGGTTTGGCTGGAGAGCATCAGTGACAGCAGCACCTGGTACCTGCGTACCTGCTT-3'